The following is an entry in ClinVar:

NM_005560.6(LAMA5):c.2425G>A (p.Ala809Thr)

Gene: LAMA5 (laminin subunit alpha 5; minus strand). Cytogenetic location: 20q13.33.
Variant type: single nucleotide variant.
Coding change: c.2425G>A on transcript NM_005560.6 (MANE Select); coding-DNA position 2425, G replaced by A.
Protein change: p.Ala809Thr; replaces alanine 809 with threonine.
Molecular consequence: missense variant.
Genome position (GRCh38, 1-based): chr20:62,335,078, C>T on the plus strand (G>A on the coding strand, the complement: LAMA5 is on the minus strand). VCF-style: chr20-62335078-C-T. GRCh37 (hg19) VCF-style: chr20-60910134-C-T.
Other names: c.2425G>A (NM_005560.3); short protein forms A809T.
Identifiers: ClinVar variation 2042247 (VCV002042247.3), dbSNP rs117678561, ClinGen allele CA9943442.

ClinVar aggregate classification (germline): Conflicting classifications of pathogenicity. Review status: criteria provided, conflicting classifications (1 of 4 stars). 2 submissions from 2 submitters: Uncertain significance (1); Likely benign (1). Last evaluated 2024-06-17.

Conditions:
Inborn genetic diseases. Identifiers: MedGen C0950123, MeSH D030342.

Allele frequency attached by ClinVar (database versions not stated): gnomAD exomes 0.00003; ExAC 0.00005; gnomAD 0.00009; TOPMed 0.00009; 1000 Genomes Project 30x 0.00016; 1000 Genomes Project 0.00020.
gnomAD v4.1: 82 of 1,613,054 alleles (0.0051%); highest among the groups gnomAD compares: East Asian, 0.051%; 1 homozygote.

Submissions (2):

Labcorp Genetics (formerly Invitae), Labcorp
Classification: Uncertain significance. Last evaluated: 2024-06-17. Review status: criteria provided, single submitter. Criteria: Invitae Variant Classification Sherloc (09022015). Collection method: clinical testing. Allele origin: germline.
Comment: This sequence change replaces alanine, which is neutral and non-polar, with threonine, which is neutral and polar, at codon 809 of the LAMA5 protein (p.Ala809Thr). This variant is present in population databases (rs117678561, gnomAD 0.08%). This variant has not been reported in the literature in individuals affected with LAMA5-related conditions. ClinVar contains an entry for this variant (Variation ID: 2042247). Algorithms developed to predict the effect of missense changes on protein structure and function output the following: SIFT: "Not Available"; PolyPhen-2: "Benign"; Align-GVGD: "Not Available". The threonine amino acid residue is found in multiple mammalian species, which suggests that this missense change does not adversely affect protein function. In summary, the available evidence is currently insufficient to determine the role of this variant in disease. Therefore, it has been classified as a Variant of Uncertain Significance.

Ambry Genetics
Classification: Likely benign for Inborn genetic diseases. Last evaluated: 2023-11-03. Review status: criteria provided, single submitter. Criteria: Ambry Variant Classification Scheme 2023. Collection method: clinical testing. Allele origin: germline.